The following is an entry in ClinVar:

NM_003477.3(PDHX):c.800G>C (p.Gly267Ala)

Gene: PDHX (pyruvate dehydrogenase complex component X; plus strand). Cytogenetic location: 11p13.
Variant type: single nucleotide variant.
Coding change: c.800G>C on transcript NM_003477.3 (MANE Select); coding-DNA position 800, G replaced by C.
Protein change: p.Gly267Ala; replaces glycine 267 with alanine.
Molecular consequence: missense variant. On other transcripts: intron variant (1).
Genome position (GRCh38, 1-based): chr11:34,966,798, G>C. VCF-style: chr11-34966798-G-C. GRCh37 (hg19) VCF-style: chr11-34988345-G-C.
Other names: c.620G>C, p.Gly207Ala (NM_001135024.2); c.343-17772G>C (NM_001166158.2); short protein forms G207A, G267A.
Identifiers: ClinVar variation 2061207 (VCV002061207.4), dbSNP rs767272326, ClinGen allele CA380120892.

ClinVar aggregate classification (germline): Uncertain significance (1 of 4 stars; one submission).

gnomAD v4.1: 1 of 1,613,642 alleles (0.000062%); highest among the groups gnomAD compares: Admixed American, 0.0017%; no homozygotes.

Submission:

Labcorp Genetics (formerly Invitae), Labcorp
Classification: Uncertain significance. Last evaluated: 2021-12-25. Review status: criteria provided, single submitter. Criteria: Invitae Variant Classification Sherloc (09022015). Collection method: clinical testing. Allele origin: germline.
Comment: This variant has not been reported in the literature in individuals affected with PDHX-related conditions. Algorithms developed to predict the effect of missense changes on protein structure and function (SIFT, PolyPhen-2, Align-GVGD) all suggest that this variant is likely to be tolerated. In summary, the available evidence is currently insufficient to determine the role of this variant in disease. Therefore, it has been classified as a Variant of Uncertain Significance. This variant is present in population databases (no rsID available, gnomAD 0.003%). This sequence change replaces glycine, which is neutral and non-polar, with alanine, which is neutral and non-polar, at codon 267 of the PDHX protein (p.Gly267Ala).